The following is an entry in ClinVar:

NM_000784.4(CYP27A1):c.1175A>C (p.Glu392Ala)

Gene: CYP27A1 (cytochrome P450 family 27 subfamily A member 1; plus strand). Cytogenetic location: 2q35.
Variant type: single nucleotide variant.
Coding change: c.1175A>C on transcript NM_000784.4 (MANE Select); coding-DNA position 1175, A replaced by C.
Protein change: p.Glu392Ala; replaces glutamic acid 392 with alanine.
Molecular consequence: missense variant.
Genome position (GRCh38, 1-based): chr2:218,814,178, A>C. VCF-style: chr2-218814178-A-C. GRCh37 (hg19) VCF-style: chr2-219678901-A-C.
Other names: short protein forms E392A.
Identifiers: ClinVar variation 500465 (VCV000500465.13), dbSNP rs1245201394, ClinGen allele CA350592713.

ClinVar aggregate classification (germline): Uncertain significance. Review status: criteria provided, multiple submitters, no conflicts (2 of 4 stars). 4 submissions from 4 submitters: Uncertain significance (3). 1 of the submissions does not count toward it. Last evaluated 2024-10-21.

Conditions:
Cholestanol storage disease (CTX). Also called: CTX: Cerebrotendinous xanthomatosis; CEREBRAL CHOLESTERINOSIS; Cerebrotendinous Xanthomatosis. Identifiers: Orphanet 909, MedGen C0238052, MONDO:0008948, OMIM 213700.

Allele frequency attached by ClinVar (database versions not stated): gnomAD exomes below 0.00001 and 0.00001; gnomAD 0.00001.

Submissions (4):

Labcorp Genetics (formerly Invitae), Labcorp
Classification: Uncertain significance for Cholestanol storage disease. Last evaluated: 2024-10-21. Review status: criteria provided, single submitter. Criteria: Invitae Variant Classification Sherloc (09022015). Collection method: clinical testing. Allele origin: germline.
Comment: This sequence change replaces glutamic acid, which is acidic and polar, with alanine, which is neutral and non-polar, at codon 392 of the CYP27A1 protein (p.Glu392Ala). This variant is present in population databases (no rsID available, gnomAD 0.0009%). This missense change has been observed in individual(s) with cerebrotendinous xanthomatosis (PMID: 19373932). This variant is also known as E359A. ClinVar contains an entry for this variant (Variation ID: 500465). Invitae Evidence Modeling of protein sequence and biophysical properties (such as structural, functional, and spatial information, amino acid conservation, physicochemical variation, residue mobility, and thermodynamic stability) indicates that this missense variant is expected to disrupt CYP27A1 protein function with a positive predictive value of 95%. This variant disrupts the p.Glu392 amino acid residue in CYP27A1. Other variant(s) that disrupt this residue have been observed in individuals with CYP27A1-related conditions (PMID: 27455001), which suggests that this may be a clinically significant amino acid residue. In summary, the available evidence is currently insufficient to determine the role of this variant in disease. Therefore, it has been classified as a Variant of Uncertain Significance.

Women's Health and Genetics/Laboratory Corporation of America, LabCorp
Classification: Uncertain significance. Last evaluated: 2024-07-15. Review status: criteria provided, single submitter. Criteria: LabCorp Variant Classification Summary - May 2015. Collection method: clinical testing. Allele origin: germline.
Comment: Variant summary: CYP27A1 c.1175A>C (p.Glu392Ala) results in a non-conservative amino acid change in the encoded protein sequence. Five of five in-silico tools predict a damaging effect of the variant on protein function. The variant allele was found at a frequency of 4e-06 in 251350 control chromosomes. The available data on variant occurrences in the general population are insufficient to allow any conclusion about variant significance. c.1175A>C has been reported in the literature in at least one individual affected with Cerebrotendinous Xanthomatosis (e.g. Alcalay_2009). These data do not provide sufficient data to allow any conclusion about variant significance. To our knowledge, no experimental evidence demonstrating an impact on protein function has been reported. The following publication has been ascertained in the context of this evaluation (PMID: 19373932). ClinVar contains an entry for this variant (Variation ID: 500465). Based on the evidence outlined above, the variant was classified as uncertain significance.

Eurofins Ntd Llc (ga)
Classification: Uncertain significance. Last evaluated: 2017-02-23. Review status: criteria provided, single submitter. Criteria: EGL Classification Definitions 2015. Collection method: clinical testing. Allele origin: germline. Observed: 1 variant allele, 1 heterozygote.

Counsyl
Classification: Uncertain significance for Cholestanol storage disease. Last evaluated: 2017-02-07. Review status: no assertion criteria provided. Collection method: clinical testing. Allele origin: unknown. Not counted in ClinVar's aggregate classification.

Literature cited by the submitters: PubMed 19373932 (cited by 3 submitters); PubMed 27455001 (cited by Labcorp Genetics (formerly Invitae), Labcorp).